The following is an entry in ClinVar:

ClinVar aggregate classification (germline): Uncertain significance (1 of 4 stars; one submission).

Conditions:
TBX3-related disorder. Also called: TBX3-related condition.

gnomAD v4.1: 2 of 1,614,052 alleles (0.00012%); highest among the groups gnomAD compares: African/African-American, 0.0013%; no homozygotes.

Submission:

PreventionGenetics, part of Exact Sciences
Classification: Uncertain significance for TBX3-related condition. Last evaluated: 2026-08-12. Review status: criteria provided, single submitter. Criteria: ACMG Guidelines, 2015. Collection method: clinical testing. Allele origin: germline.
Comment: The TBX3 c.778A>G variant is predicted to result in the amino acid substitution p.Ile260Val. To our knowledge, this variant has not been reported in the literature or in a large population database (gnomAD), indicating this variant is rare. At this time, the clinical significance of this variant is uncertain due to the absence of conclusive functional and genetic evidence.

NM_005996.4(TBX3):c.718A>G (p.Ile240Val)

Gene: TBX3 (T-box transcription factor 3; minus strand). Cytogenetic location: 12q24.21.
Variant type: single nucleotide variant.
Coding change: c.718A>G on transcript NM_005996.4 (MANE Select); coding-DNA position 718, A replaced by G.
Protein change: p.Ile240Val; replaces isoleucine 240 with valine.
Molecular consequence: missense variant.
Genome position (GRCh38, 1-based): chr12:114,679,591, T>C on the plus strand (A>G on the coding strand, the complement: TBX3 is on the minus strand). VCF-style: chr12-114679591-T-C. GRCh37 (hg19) VCF-style: chr12-115117396-T-C.
Other names: c.778A>G, p.Ile260Val (NM_016569.4); short protein forms I260V, I240V.
Identifiers: ClinVar variation 4981736 (VCV004981736.1).